The following is an entry in ClinVar:

NM_004360.5(CDH1):c.1381C>A (p.Pro461Thr)

Gene: CDH1 (cadherin 1; plus strand). Cytogenetic location: 16q22.1.
Variant type: single nucleotide variant.
Coding change: c.1381C>A on transcript NM_004360.5 (MANE Select); coding-DNA position 1381, C replaced by A.
Protein change: p.Pro461Thr; replaces proline 461 with threonine.
Molecular consequence: missense variant. On other transcripts: 5 prime UTR variant (2).
Genome position (GRCh38, 1-based): chr16:68,815,575, C>A. VCF-style: chr16-68815575-C-A. GRCh37 (hg19) VCF-style: chr16-68849478-C-A.
Other names: c.1198C>A, p.Pro400Thr (NM_001317184.2); c.-168C>A (NM_001317185.2); c.-439C>A (NM_001317186.2); short protein forms P400T, P461T.
Identifiers: ClinVar variation 819060 (VCV000819060.13), dbSNP rs1355592880, ClinGen allele CA396462843.
Genomic context (GRCh38, chr16:68,815,575, plus strand): 5'-GGCTTGGATTTTGAGGCCAAGCAGCAGTACATTCTACACGTAGCAGTGACGAATGTGGTA[C>A]CTTTTGAGGTCTCTCTCACCACCTCCACAGCCACCGTCACCGTGGATGTGCTGGATGTGA-3'
Protein context (NP_004351.1, residues 451-471): ILHVAVTNVV[Pro461Thr]FEVSLTTSTA

ClinVar aggregate classification (germline): Uncertain significance. Review status: criteria provided, multiple submitters, no conflicts (2 of 4 stars). 2 submissions from 2 submitters: Uncertain significance (2). Last evaluated 2025-07-11.

Conditions:
Hereditary diffuse gastric adenocarcinoma (HDGC). Also called: DIFFUSE GASTRIC AND LOBULAR BREAST CANCER SYNDROME. Identifiers: Orphanet 26106, MedGen C1708349, MONDO:0007648, OMIM 137215.
Hereditary cancer-predisposing syndrome. Also called: Hereditary Cancer Syndrome; Neoplastic Syndromes, Hereditary; Hereditary neoplastic syndrome; Tumor predisposition. Identifiers: Orphanet 140162, MedGen C0027672, MeSH D009386, MONDO:0015356.

Allele frequency attached by ClinVar (database versions not stated): gnomAD exomes below 0.00001.
gnomAD v4.1: 1 of 1,614,208 alleles (0.000062%); highest among the groups gnomAD compares: Non-Finnish European, 0.000085%; no homozygotes.

Submissions (2):

Ambry Genetics
Classification: Uncertain significance for Hereditary cancer-predisposing syndrome. Last evaluated: 2025-07-11. Review status: criteria provided, single submitter. Criteria: Ambry Variant Classification Scheme 2023. Collection method: clinical testing. Allele origin: germline.
Comment: The p.P461T variant (also known as c.1381C>A), located in coding exon 10 of the CDH1 gene, results from a C to A substitution at nucleotide position 1381. The proline at codon 461 is replaced by threonine, an amino acid with highly similar properties. This amino acid position is well conserved in available vertebrate species. In addition, this alteration is predicted to be tolerated by in silico analysis. Based on the available evidence, the clinical significance of this variant remains unclear.

Labcorp Genetics (formerly Invitae), Labcorp
Classification: Uncertain significance for Hereditary diffuse gastric adenocarcinoma. Last evaluated: 2023-01-22. Review status: criteria provided, single submitter. Criteria: Invitae Variant Classification Sherloc (09022015). Collection method: clinical testing. Allele origin: germline.
Comment: ClinVar contains an entry for this variant (Variation ID: 819060). In summary, the available evidence is currently insufficient to determine the role of this variant in disease. Therefore, it has been classified as a Variant of Uncertain Significance. Algorithms developed to predict the effect of sequence changes on RNA splicing suggest that this variant may create or strengthen a splice site. Algorithms developed to predict the effect of missense changes on protein structure and function are either unavailable or do not agree on the potential impact of this missense change (SIFT: "Tolerated"; PolyPhen-2: "Possibly Damaging"; Align-GVGD: "Class C0"). This variant has not been reported in the literature in individuals affected with CDH1-related conditions. This variant is present in population databases (no rsID available, gnomAD 0.0009%). This sequence change replaces proline, which is neutral and non-polar, with threonine, which is neutral and polar, at codon 461 of the CDH1 protein (p.Pro461Thr).